The following is an entry in ClinVar:

NM_001291867.2(NHS):c.1231C>T (p.Gln411Ter)

Gene: NHS (NHS actin remodeling regulator; plus strand). Cytogenetic location: Xp22.13.
Variant type: single nucleotide variant.
Coding change: c.1231C>T on transcript NM_001291867.2 (MANE Select); coding-DNA position 1231, C replaced by T.
Protein change: p.Gln411Ter; replaces glutamine 411 with a stop codon.
Molecular consequence: nonsense.
Genome position (GRCh38, 1-based): chrX:17,724,421, C>T. VCF-style: chrX-17724421-C-T. GRCh37 (hg19) VCF-style: chrX-17742541-C-T.
Other names: c.700C>T, p.Gln234Ter (NM_001136024.4); c.637C>T, p.Gln213Ter (NM_001291868.2); c.1168C>T, p.Gln390Ter (NM_198270.4); short protein forms Q390*, Q411*, Q213*, Q234*.
Identifiers: ClinVar variation 520943 (VCV000520943.10), dbSNP rs1556038028, ClinGen allele CA412350271.
Genomic context (GRCh38, chrX:17,724,421, plus strand): 5'-CAGCGGAGACGAAAATTGAGGAGGAGGAAAACCATCTCGGGTATCCCCAGAAGAGTTCAA[C>T]AAGAAATAGGTGTGATATCAAAAAATGTTAATGGTTAACATTCCTCCGCCTAGTACAGAT-3'

ClinVar aggregate classification (germline): Pathogenic. Review status: criteria provided, multiple submitters, no conflicts (2 of 4 stars). 3 submissions from 3 submitters: Pathogenic (3). Last evaluated 2022-02-02.

Conditions:
NHS-related disorder. Also called: NHS-related condition.
Inborn genetic diseases. Identifiers: MedGen C0950123, MeSH D030342.
Nance-Horan syndrome (NHS). Identifiers: Orphanet 627, MedGen C0796085, MONDO:0010545, OMIM 302350.

Submissions (3):

Blueprint Genetics
Classification: Pathogenic for NHS-related disorders. Last evaluated: 2022-02-02. Review status: criteria provided, single submitter. Criteria: ACMG Guidelines, 2015. Collection method: clinical testing. Allele origin: germline. Affected: yes. Observed: 2 variant alleles.

Labcorp Genetics (formerly Invitae), Labcorp
Classification: Pathogenic for Nance-Horan syndrome. Last evaluated: 2021-04-16. Review status: criteria provided, single submitter. Criteria: Invitae Variant Classification Sherloc (09022015). Collection method: clinical testing. Allele origin: germline.
Comment: For these reasons, this variant has been classified as Pathogenic. This variant has not been reported in the literature in individuals with NHS-related conditions. ClinVar contains an entry for this variant (Variation ID: 520943). This variant is not present in population databases (ExAC no frequency). This sequence change creates a premature translational stop signal (p.Gln390*) in the NHS gene. It is expected to result in an absent or disrupted protein product. Loss-of-function variants in NHS are known to be pathogenic (PMID: 14564667, 19414485).

Ambry Genetics
Classification: Pathogenic for Inborn genetic diseases. Last evaluated: 2016-02-16. Review status: criteria provided, single submitter. Criteria: Ambry exome assertion method (8-5-2015). Collection method: clinical testing. Allele origin: germline. Affected: yes. Observed: 1 variant allele.

Literature cited by the submitters: PubMed 14564667 (cited by Labcorp Genetics (formerly Invitae), Labcorp); PubMed 19414485 (cited by Labcorp Genetics (formerly Invitae), Labcorp).